The following is an entry in ClinVar:

NM_004817.4(TJP2):c.2554C>T (p.His852Tyr)

Gene: TJP2 (tight junction protein 2; plus strand). Cytogenetic location: 9q21.11.
Variant type: single nucleotide variant.
Coding change: c.2554C>T on transcript NM_004817.4 (MANE Select); coding-DNA position 2554, C replaced by T.
Protein change: p.His852Tyr; replaces histidine 852 with tyrosine.
Molecular consequence: missense variant.
Genome position (GRCh38, 1-based): chr9:69,240,135, C>T. VCF-style: chr9-69240135-C-T. GRCh37 (hg19) VCF-style: chr9-71855051-C-T.
Other names: c.2485C>T, p.His829Tyr (NM_001170414.2, NM_001369871.1); c.2566C>T, p.His856Tyr (NM_001170415.1, NM_001369874.1, NM_001369875.1); c.2647C>T, p.His883Tyr (NM_001170416.2); c.2479C>T, p.His827Tyr (NM_001369870.1); c.2554C>T, p.His852Tyr (NM_001369872.1, NM_001369873.1, NM_201629.3); short protein forms H827Y, H829Y, H852Y, H856Y, H883Y.
Identifiers: ClinVar variation 3903325 (VCV003903325.1).

ClinVar aggregate classification (germline): Uncertain significance (1 of 4 stars; one submission).

gnomAD v4.1: 15 of 1,613,656 alleles (0.00093%); highest among the groups gnomAD compares: African/African-American, 0.011%; no homozygotes.

Submission:

GeneDx
Classification: Uncertain significance. Last evaluated: 2024-12-16. Review status: criteria provided, single submitter. Criteria: GeneDx Variant Classification Process June 2021. Collection method: clinical testing. Allele origin: germline. Affected: yes.
Comment: In silico analysis supports that this missense variant has a deleterious effect on protein structure/function; Has not been previously published as pathogenic or benign to our knowledge